The following is an entry in ClinVar:

ClinVar aggregate classification (germline): Uncertain significance (1 of 4 stars; one submission).

Conditions:
Inborn genetic diseases. Identifiers: MedGen C0950123, MeSH D030342.

gnomAD v4.1: 4 of 1,613,724 alleles (0.00025%); highest among the groups gnomAD compares: Admixed American, 0.0033%; no homozygotes.

Submission:

Ambry Genetics
Classification: Uncertain significance for Inborn genetic diseases. Last evaluated: 2021-06-08. Review status: criteria provided, single submitter. Criteria: Ambry Variant Classification Scheme 2023. Collection method: clinical testing. Allele origin: germline.
Comment: The p.E545K variant (also known as c.1633G>A), located in coding exon 13 of the NTRK1 gene, results from a G to A substitution at nucleotide position 1633. The glutamic acid at codon 545 is replaced by lysine, an amino acid with similar properties. This amino acid position is well conserved in available vertebrate species. In addition, this alteration is predicted to be deleterious by in silico analysis. Since supporting evidence is limited at this time, the clinical significance of this alteration remains unclear.

NM_002529.4(NTRK1):c.1651G>A (p.Glu551Lys)

Gene: NTRK1 (neurotrophic receptor tyrosine kinase 1; plus strand). Cytogenetic location: 1q23.1.
Variant type: single nucleotide variant.
Coding change: c.1651G>A on transcript NM_002529.4 (MANE Select); coding-DNA position 1651, G replaced by A.
Protein change: p.Glu551Lys; replaces glutamic acid 551 with lysine.
Molecular consequence: missense variant.
Genome position (GRCh38, 1-based): chr1:156,876,418, G>A. VCF-style: chr1-156876418-G-A. GRCh37 (hg19) VCF-style: chr1-156846210-G-A.
Other names: c.1651G>A, p.Glu551Lys (NM_001007204.1); c.1543G>A, p.Glu515Lys (NM_001007792.1); c.1633G>A, p.Glu545Lys (NM_001012331.2); short protein forms E515K, E545K, E551K.
Identifiers: ClinVar variation 1776880 (VCV001776880.2), dbSNP rs759471657, ClinGen allele CA1169430.